The following is an entry in ClinVar:

ClinVar aggregate classification (germline): Pathogenic. Review status: reviewed by expert panel (3 of 4 stars). 3 submissions from 3 submitters: Pathogenic (1). 2 of the submissions do not count toward it. Last evaluated 2017-12-15.

Conditions:
Hereditary breast ovarian cancer syndrome. Also called: Hereditary breast and ovarian cancer; Hereditary breast and ovarian cancer syndrome (HBOC); Hereditary breast and/or ovarian cancer syndrome; Breast and ovarian cancer; Hereditary breast and ovarian cancer syndrome; BRCA1- and BRCA2-Associated Hereditary Breast and Ovarian Cancer. Identifiers: Orphanet 145, MedGen C0677776, MeSH D061325, MONDO:0003582. Disease mechanism: loss of function.
Breast-ovarian cancer, familial, susceptibility to, 2 (BROVCA2). Also called: BRCA2 Hereditary Breast and Ovarian Cancer. Identifiers: Orphanet 145, MedGen C2675520, MONDO:0012933, OMIM 612555. Disease mechanism: loss of function.

Submissions (3):

Evidence-based Network for the Interpretation of Germline Mutant Alleles (ENIGMA)
Classification: Pathogenic for Breast-ovarian cancer, familial, susceptibility to, 2. Last evaluated: 2017-12-15. Review status: reviewed by expert panel. Criteria: ENIGMA BRCA1/2 Classification Criteria (2017-06-29). Collection method: curation. Allele origin: germline. Study: ENIGMA.
Comment: Variant allele predicted to encode a truncated non-functional protein.

Labcorp Genetics (formerly Invitae), Labcorp
Classification: Pathogenic for Hereditary breast ovarian cancer syndrome. Last evaluated: 2025-01-19. Review status: criteria provided, single submitter. Criteria: Invitae Variant Classification Sherloc (09022015). Collection method: clinical testing. Allele origin: germline. Not counted in ClinVar's aggregate classification.
Comment: This sequence change creates a premature translational stop signal (p.His2395Glnfs*73) in the BRCA2 gene. It is expected to result in an absent or disrupted protein product. Loss-of-function variants in BRCA2 are known to be pathogenic (PMID: 20104584). Information on the frequency of this variant in the gnomAD database is not available, as this variant may be reported differently in the database. This premature translational stop signal has been observed in individual(s) with breast cancer (PMID: 38355628). This variant is also known as p.His2395Glnfs*71. For these reasons, this variant has been classified as Pathogenic.

Sharing Clinical Reports Project (SCRP)
Classification: Pathogenic for Breast-ovarian cancer, familial 2. Last evaluated: 2010-08-10. Review status: no assertion criteria provided. Collection method: clinical testing. Allele origin: germline. Not counted in ClinVar's aggregate classification.

Literature cited by the submitters: PubMed 20104584 (cited by Labcorp Genetics (formerly Invitae), Labcorp); PubMed 38355628 (cited by Labcorp Genetics (formerly Invitae), Labcorp).

NC_000013.11:g.32355038_32355043delinsAG

Gene: BRCA2 (BRCA2 DNA repair associated; plus strand). Cytogenetic location: 13q13.1.
Variant type: Indel.
Genome position: GRCh38 VCF-style: chr13-32355038-CTTGAT-AG. GRCh37 (hg19) VCF-style: chr13-32929175-CTTGAT-AG.
Other names: 7413del6insAG; c.7185_7190delinsAG, p.His2395fs (LRG_293t1).
Identifiers: ClinVar variation 38087 (VCV000038087.4), dbSNP rs397507383, ClinGen allele CA024935.